The following is an entry in ClinVar:

NM_018012.4(KIF26B):c.4401G>A (p.Thr1467=)

Gene: KIF26B (kinesin family member 26B; plus strand). Cytogenetic location: 1q44.
Variant type: single nucleotide variant.
Coding change: c.4401G>A on transcript NM_018012.4 (MANE Select); coding-DNA position 4401, G replaced by A.
Protein change: p.Thr1467=; no amino-acid change (threonine 1467 retained).
Molecular consequence: synonymous variant.
Genome position (GRCh38, 1-based): chr1:245,687,384, G>A. VCF-style: chr1-245687384-G-A. GRCh37 (hg19) VCF-style: chr1-245850686-G-A.
Identifiers: ClinVar variation 716679 (VCV000716679.6), dbSNP rs147259470, ClinGen allele CA1488466.

ClinVar aggregate classification (germline): Benign. Review status: criteria provided, multiple submitters, no conflicts (2 of 4 stars). 3 submissions from 3 submitters: Benign (2). 1 of the submissions does not count toward it. Last evaluated 2018-07-19.

Conditions:
KIF26B-related disorder. Also called: KIF26B-related condition.

Allele frequency attached by ClinVar (database versions not stated): gnomAD exomes 0.00178; ExAC 0.00352; 1000 Genomes Project 30x 0.00562; 1000 Genomes Project 0.00659; gnomAD 0.00799 and 0.00874; ESP Exome Variant Server 0.00811; TOPMed 0.00902.
gnomAD v4.1: 2,221 of 1,588,130 alleles (0.14%); highest among the groups gnomAD compares: African/African-American, 2.6%; 36 homozygotes.

Submissions (3):

Labcorp Genetics (formerly Invitae), Labcorp
Classification: Benign. Last evaluated: 2018-07-19. Review status: criteria provided, single submitter. Criteria: Invitae Variant Classification Sherloc (09022015). Collection method: clinical testing. Allele origin: germline.

Breakthrough Genomics
Classification: Benign. Review status: criteria provided, single submitter. Criteria: ACMG Guidelines, 2015. Collection method: not provided. Allele origin: germline. Inheritance: Unknown mechanism. Affected: yes.

PreventionGenetics, part of Exact Sciences
Classification: Benign for KIF26B-related condition. Last evaluated: 2019-08-07. Review status: no assertion criteria provided. Collection method: clinical testing. Allele origin: germline. Not counted in ClinVar's aggregate classification.
Comment: This variant is classified as benign based on ACMG/AMP sequence variant interpretation guidelines (Richards et al. 2015 PMID: 25741868, with internal and published modifications).